The following is an entry in ClinVar:

ClinVar aggregate classification (germline): Pathogenic (1 of 4 stars; one submission).

Conditions:
Hereditary factor IX deficiency disease (HEMB). Also called: Hemophilia B; F9 DEFICIENCY; FACTOR IX DEFICIENCY; PLASMA THROMBOPLASTIN COMPONENT DEFICIENCY; Christmas Disease. Identifiers: Orphanet 98879, MedGen C0008533, MeSH D002836, MONDO:0010604, OMIM 306900.
Thrombophilia, X-linked, due to factor 9 defect. Identifiers: MedGen C2749016, MONDO:0010432, OMIM 300807.

Submission:

Labcorp Genetics (formerly Invitae), Labcorp
Classification: Pathogenic for Thrombophilia, X-linked, due to factor 9 defect; Hereditary factor IX deficiency disease. Last evaluated: 2020-06-09. Review status: criteria provided, single submitter. Criteria: Invitae Variant Classification Sherloc (09022015). Collection method: clinical testing. Allele origin: germline.
Comment: This sequence change results in a premature translational stop signal in the F9 gene (p.Trp453*). While this is not anticipated to result in nonsense mediated decay, it is expected to disrupt the last 9 amino acids of the F9 protein. This variant is not present in population databases (ExAC no frequency). This variant has been observed in individual(s) with X-linked recessive factor IX deficiency (hemophilia B) (PMID: 7937052, 22103590, Invitae). This variant is also known as Trp407Stop (W407Stop) in the literature. Algorithms developed to predict the effect of sequence changes on RNA splicing suggest that this variant may create or strengthen a splice site, but this prediction has not been confirmed by published transcriptional studies. This variant disrupts the p.Trp453 amino acid residue in F9. Other variant(s) that disrupt this residue have been determined to be pathogenic (PMID: 7937052, 18540896, 19699296, 22639855). This suggests that this residue is clinically significant, and that variants that disrupt this residue are likely to be disease-causing. For these reasons, this variant has been classified as Pathogenic.

Literature cited by the submitters: PubMed 7937052; PubMed 22103590; PubMed 18540896; PubMed 19699296; PubMed 22639855.

NM_000133.4(F9):c.1358G>A (p.Trp453Ter)

Gene: F9 (coagulation factor IX; plus strand). Cytogenetic location: Xq27.1.
Variant type: single nucleotide variant.
Coding change: c.1358G>A on transcript NM_000133.4 (MANE Select); coding-DNA position 1358, G replaced by A.
Protein change: p.Trp453Ter; replaces tryptophan 453 with a stop codon.
Molecular consequence: nonsense.
Genome position (GRCh38, 1-based): chrX:139,562,043, G>A. VCF-style: chrX-139562043-G-A. GRCh37 (hg19) VCF-style: chrX-138644202-G-A.
Other names: c.1244G>A, p.Trp415Ter (NM_001313913.2); short protein forms W415*, W453*.
Identifiers: ClinVar variation 1070514 (VCV001070514.9), dbSNP rs2148368332, ClinGen allele CA414447531.